The following is an entry in ClinVar:

ClinVar aggregate classification (germline): Pathogenic/Likely pathogenic. Review status: criteria provided, multiple submitters, no conflicts (2 of 4 stars). 2 submissions from 2 submitters: Pathogenic (1); Likely pathogenic (1). Last evaluated 2023-12-13.

Conditions:
Spastic paraplegia. Identifiers: MedGen C0037772, HP:0001258.
Charlevoix-Saguenay spastic ataxia (SACS). Also called: Spastic ataxia of Charlevoix-Saguenay; SPASTIC ATAXIA 6, AUTOSOMAL RECESSIVE; AUTOSOMAL RECESSIVE SPASTIC ATAXIA OF CHARLEVOIX-SAGUENAY. Identifiers: Orphanet 98, MedGen C1849140, MONDO:0010041, OMIM 270550.

Submissions (2):

Baylor Genetics
Classification: Likely pathogenic for Charlevoix-Saguenay spastic ataxia. Last evaluated: 2023-12-13. Review status: criteria provided, single submitter. Criteria: ACMG Guidelines, 2015. Collection method: clinical testing. Allele origin: unknown.

Labcorp Genetics (formerly Invitae), Labcorp
Classification: Pathogenic for Spastic paraplegia. Last evaluated: 2021-10-09. Review status: criteria provided, single submitter. Criteria: Invitae Variant Classification Sherloc (09022015). Collection method: clinical testing. Allele origin: germline.
Comment: For these reasons, this variant has been classified as Pathogenic. This variant disrupts a region of the SACS protein in which other variant(s) (p.Tyr4538*) have been determined to be pathogenic (PMID: 15156359, 21507954). This suggests that this is a clinically significant region of the protein, and that variants that disrupt it are likely to be disease-causing. This variant has not been reported in the literature in individuals affected with SACS-related conditions. This variant is not present in population databases (ExAC no frequency). This sequence change creates a premature translational stop signal (p.His2362Lysfs*3) in the SACS gene. While this is not anticipated to result in nonsense mediated decay, it is expected to disrupt the last 2218 amino acid(s) of the SACS protein.

Literature cited by the submitters: PubMed 15156359 (cited by Labcorp Genetics (formerly Invitae), Labcorp); PubMed 21507954 (cited by Labcorp Genetics (formerly Invitae), Labcorp).

NM_014363.6(SACS):c.7080_7084del (p.His2362fs)

Gene: SACS (sacsin molecular chaperone; minus strand). Cytogenetic location: 13q12.12.
Variant type: Deletion.
Coding change: c.7080_7084del on transcript NM_014363.6 (MANE Select); coding-DNA positions 7080 to 7084, 5 bases deleted (TTTTC; older notation c.7080_7084delTTTTC).
Protein change: p.His2362fs; shifts the reading frame from histidine 2362.
Molecular consequence: frameshift variant.
Genome position (GRCh38, 1-based): chr13:23,336,792-23,336,796, GAAAA deleted on the plus strand (TTTTC on the coding strand, the reverse complement: SACS is on the minus strand); deleting any 5 consecutive bases within chr13:23,336,792-23,336,800 gives the same sequence; the c. name uses the placement nearest the transcript's 3' end. VCF-style (leftmost placement, unchanged base first): chr13-23336791-TGAAAA-T. GRCh37 (hg19) VCF-style: chr13-23910930-TGAAAA-T.
Other names: c.6639_6643del, p.His2215fs (NM_001278055.2); short protein forms H2215fs, H2362fs.
Identifiers: ClinVar variation 1395488 (VCV001395488.8), dbSNP rs1294102415, ClinGen allele CA696611965.